The following is an entry in ClinVar:

ClinVar aggregate classification (germline): Uncertain significance (1 of 4 stars; one submission).

Allele frequency attached by ClinVar (database versions not stated): gnomAD exomes 0.00001.

Submission:

Labcorp Genetics (formerly Invitae), Labcorp
Classification: Uncertain significance. Last evaluated: 2020-10-09. Review status: criteria provided, single submitter. Criteria: Invitae Variant Classification Sherloc (09022015). Collection method: clinical testing. Allele origin: germline.
Comment: In summary, the available evidence is currently insufficient to determine the role of this variant in disease. Therefore, it has been classified as a Variant of Uncertain Significance. Algorithms developed to predict the effect of missense changes on protein structure and function are either unavailable or do not agree on the potential impact of this missense change (SIFT: "Tolerated"; PolyPhen-2: "Possibly Damaging"; Align-GVGD: "Class C0"). This variant has not been reported in the literature in individuals with BBIP1-related conditions. The frequency data for this variant in the population databases is considered unreliable, as metrics indicate insufficient coverage at this position in the ExAC database. This sequence change replaces threonine with proline at codon 62 of the BBIP1 protein (p.Thr62Pro). The threonine residue is weakly conserved and there is a small physicochemical difference between threonine and proline.

NM_001195305.3(BBIP1):c.184A>C (p.Thr62Pro)

Gene: BBIP1 (BBSome interacting protein 1; minus strand). Cytogenetic location: 10q25.2.
Variant type: single nucleotide variant.
Coding change: c.184A>C on transcript NM_001195305.3 (MANE Select); coding-DNA position 184, A replaced by C.
Protein change: p.Thr62Pro; replaces threonine 62 with proline.
Molecular consequence: missense variant. On other transcripts: 3 prime UTR variant (1).
Genome position (GRCh38, 1-based): chr10:110,900,455, T>G on the plus strand (A>C on the coding strand, the complement: BBIP1 is on the minus strand). VCF-style: chr10-110900455-T-G. GRCh37 (hg19) VCF-style: chr10-112660213-T-G.
Other names: c.*29A>C (NM_001195304.2); c.184A>C, p.Thr62Pro (NM_001195306.2); c.109A>C, p.Thr37Pro (NM_001195307.2); c.118A>C, p.Thr40Pro (NM_001243783.3); short protein forms T37P, T40P, T62P.
Identifiers: ClinVar variation 1023234 (VCV001023234.9), dbSNP rs1845963621, ClinGen allele CA378388908.